The following is an entry in ClinVar:

ClinVar aggregate classification (germline): Uncertain significance. Review status: criteria provided, multiple submitters, no conflicts (2 of 4 stars). 5 submissions from 5 submitters: Uncertain significance (5). Last evaluated 2025-10-09.

Conditions:
Ehlers-Danlos syndrome due to tenascin-X deficiency (EDSCLL1). Also called: EHLERS-DANLOS SYNDROME, CLASSIC-LIKE; Ehlers-Danlos syndrome, classic-like, 1; TNX DEFICIENCY; TNXB-Related Classical-Like Ehlers-Danlos Syndrome; EDS DUE TO TNX DEFICIENCY. Identifiers: Orphanet 230839, MedGen C1848029, MONDO:0011670, OMIM 606408.
Vesicoureteral reflux 8 (VUR8). Identifiers: Orphanet 289365, MedGen C4014831, MONDO:0014422, OMIM 615963.
Cardiovascular phenotype. Identifiers: MedGen CN230736.
Ehlers-Danlos syndrome (EDS). Identifiers: Orphanet 98249, MedGen C0013720, MONDO:0020066.

Allele frequency attached by ClinVar (database versions not stated): gnomAD 0.00001; gnomAD exomes 0.00001; TOPMed 0.00002.
gnomAD v4.1: 21 of 1,603,196 alleles (0.0013%); highest among the groups gnomAD compares: Non-Finnish European, 0.0018%; no homozygotes.

Submissions (5):

Women's Health and Genetics/Laboratory Corporation of America, LabCorp
Classification: Uncertain significance. Last evaluated: 2025-10-09. Review status: criteria provided, single submitter. Criteria: LabCorp Variant Classification Summary - May 2015. Collection method: clinical testing. Allele origin: germline.
Comment: Variant summary: TNXB c.3826T>C (p.Ser1276Pro) results in a non-conservative amino acid change in the encoded protein sequence. Algorithms developed to predict the effect of missense changes on protein structure and function are either unavailable or do not agree on the potential impact of this missense change. The variant was absent in 232826 control chromosomes. The available data on variant occurrences in the general population are insufficient to allow any conclusion about variant significance. To our knowledge, no occurrence of c.3826T>C in individuals affected with TNXB-related conditions and no experimental evidence demonstrating its impact on protein function have been reported. ClinVar contains an entry for this variant (Variation ID: 1702326). Based on the evidence outlined above, the variant was classified as uncertain significance.

Ambry Genetics
Classification: Uncertain significance for Cardiovascular phenotype. Last evaluated: 2025-09-17. Review status: criteria provided, single submitter. Criteria: Ambry Variant Classification Scheme 2023. Collection method: clinical testing. Allele origin: germline.
Comment: The p.S1276P variant (also known as c.3826T>C), located in coding exon 9 of the TNXB gene, results from a T to C substitution at nucleotide position 3826. The serine at codon 1276 is replaced by proline, an amino acid with similar properties. This amino acid position is conserved. In addition, the in silico prediction for this alteration is inconclusive. Since supporting evidence is limited at this time, the clinical significance of this alteration remains unclear.

Mayo Clinic Laboratories, Mayo Clinic
Classification: Uncertain significance. Last evaluated: 2025-05-28. Review status: criteria provided, single submitter. Criteria: ACMG Guidelines, 2015. Collection method: clinical testing. Allele origin: germline. Observed: 1 variant allele.
Comment: PM2_supporting

Fulgent Genetics
Classification: Uncertain significance for Ehlers-Danlos syndrome due to tenascin-X deficiency; Vesicoureteral reflux 8. Last evaluated: 2024-05-03. Review status: criteria provided, single submitter. Criteria: ACMG Guidelines, 2015. Collection method: clinical testing. Allele origin: germline.

Genome Diagnostics Laboratory, The Hospital for Sick Children
Classification: Uncertain significance for Ehlers-Danlos syndrome. Last evaluated: 2020-07-21. Review status: criteria provided, single submitter. Criteria: ACMG Guidelines, 2015. Collection method: clinical testing. Allele origin: germline.

NM_001365276.2(TNXB):c.3826T>C (p.Ser1276Pro)

Gene: TNXB (tenascin XB; minus strand). Cytogenetic location: 6p21.33.
Variant type: single nucleotide variant.
Coding change: c.3826T>C on transcript NM_001365276.2 (MANE Select); coding-DNA position 3826, T replaced by C.
Protein change: p.Ser1276Pro; replaces serine 1276 with proline.
Molecular consequence: missense variant.
Genome position (GRCh38, 1-based): chr6:32,081,584, A>G on the plus strand (T>C on the coding strand, the complement: TNXB is on the minus strand). VCF-style: chr6-32081584-A-G. GRCh37 (hg19) VCF-style: chr6-32049361-A-G.
Other names: p.Ser1276Pro; c.3826T>C, p.Ser1276Pro (NM_019105.8); short protein forms S1276P.
Identifiers: ClinVar variation 1702326 (VCV001702326.8), dbSNP rs879263799, ClinGen allele CA136896370.